The following is an entry in ClinVar:

ClinVar aggregate classification (germline): Conflicting classifications of pathogenicity. Review status: criteria provided, conflicting classifications (1 of 4 stars). 3 submissions from 3 submitters: Uncertain significance (2); Benign (1). Last evaluated 2025-08-18.

Conditions:
Hereditary cancer-predisposing syndrome. Also called: Neoplastic Syndromes, Hereditary; Hereditary Cancer Syndrome; Tumor predisposition; Hereditary neoplastic syndrome. Identifiers: Orphanet 140162, MedGen C0027672, MeSH D009386, MONDO:0015356.
Familial adenomatous polyposis 2. Also called: COLORECTAL ADENOMATOUS POLYPOSIS, AUTOSOMAL RECESSIVE; ADENOMAS, MULTIPLE COLORECTAL, AUTOSOMAL RECESSIVE; MUTYH-associated polyposis; MUTYH-related attenuated familial adenomatous polyposis; MUTYH Polyposis; Adenomas, multiple colorectal. Identifiers: Orphanet 220460, Orphanet 247798, MedGen C3272841, MONDO:0012041, OMIM 608456.

Submissions (3):

Ambry Genetics
Classification: Benign for Hereditary cancer-predisposing syndrome. Last evaluated: 2025-08-18. Review status: criteria provided, single submitter. Criteria: Ambry Variant Classification Scheme 2023. Collection method: clinical testing. Allele origin: germline.

Labcorp Genetics (formerly Invitae), Labcorp
Classification: Uncertain significance for Familial adenomatous polyposis 2. Last evaluated: 2023-11-25. Review status: criteria provided, single submitter. Criteria: Invitae Variant Classification Sherloc (09022015). Collection method: clinical testing. Allele origin: germline.
Comment: This sequence change replaces glutamic acid, which is acidic and polar, with glutamine, which is neutral and polar, at codon 34 of the MUTYH protein (p.Glu34Gln). This variant is not present in population databases (gnomAD no frequency). This variant has not been reported in the literature in individuals affected with MUTYH-related conditions. ClinVar contains an entry for this variant (Variation ID: 628344). An algorithm developed to predict the effect of missense changes on protein structure and function (PolyPhen-2) suggests that this variant is likely to be tolerated. In summary, the available evidence is currently insufficient to determine the role of this variant in disease. Therefore, it has been classified as a Variant of Uncertain Significance.

Color Diagnostics, LLC DBA Color Health
Classification: Uncertain significance for Hereditary cancer-predisposing syndrome. Last evaluated: 2021-04-07. Review status: criteria provided, single submitter. Criteria: ACMG Guidelines, 2015. Collection method: clinical testing. Allele origin: germline.
Comment: This missense variant replaces glutamic acid with glutamine at codon 34 of the MUTYH protein. Computational prediction suggests that this variant may not impact protein structure and function (internally defined REVEL score threshold <= 0.5, PMID: 27666373). To our knowledge, functional studies have not been reported for this variant. This variant has not been reported in individuals affected with hereditary cancer in the literature. This variant has not been identified in the general population by the Genome Aggregation Database (gnomAD). The available evidence is insufficient to determine the role of this variant in disease conclusively. Therefore, this variant is classified as a Variant of Uncertain Significance.

Literature cited by the submitters: PubMed 40738107 (cited by Ambry Genetics).

NM_001048174.2(MUTYH):c.58G>C (p.Glu20Gln)

Gene: MUTYH (mutY DNA glycosylase; minus strand). Cytogenetic location: 1p34.1.
Variant type: single nucleotide variant.
Coding change: c.58G>C on transcript NM_001048174.2 (MANE Select); coding-DNA position 58, G replaced by C.
Protein change: p.Glu20Gln; replaces glutamic acid 20 with glutamine.
Molecular consequence: missense variant. On other transcripts: 5 prime UTR variant (4), non-coding transcript variant (2).
Genome position (GRCh38, 1-based): chr1:45,334,448, C>G on the plus strand (G>C on the coding strand, the complement: MUTYH is on the minus strand). VCF-style: chr1-45334448-C-G. GRCh37 (hg19) VCF-style: chr1-45800120-C-G.
Other names: c.58G>C, p.Glu20Gln (NM_001048171.2, NM_001048172.2, NM_001048173.2 and 2 more transcripts); c.100G>C, p.Glu34Gln (NM_001128425.2, NM_001293190.2, NM_012222.3); c.-155G>C (NM_001293192.2, NM_001293196.2); c.-214G>C (NM_001350650.2); c.-150G>C (NM_001350651.2); short protein forms E34Q, E20Q.
Identifiers: ClinVar variation 628344 (VCV000628344.17), dbSNP rs1557492431, ClinGen allele CA340137126.